The following is an entry in ClinVar:

ClinVar aggregate classification (germline): Uncertain significance (1 of 4 stars; one submission).

Conditions:
Tuberous sclerosis 2 (TSC2). Identifiers: Orphanet 805, MedGen C1860707, MONDO:0013199, OMIM 613254.

Submission:

Labcorp Genetics (formerly Invitae), Labcorp
Classification: Uncertain significance for Tuberous sclerosis 2. Last evaluated: 2025-11-19. Review status: criteria provided, single submitter. Criteria: Invitae Variant Classification Sherloc (09022015). Collection method: clinical testing. Allele origin: germline.
Comment: This sequence change replaces threonine, which is neutral and polar, with asparagine, which is neutral and polar, at codon 996 of the TSC2 protein (p.Thr996Asn). This variant is not present in population databases (gnomAD no frequency). This variant has not been reported in the literature in individuals affected with TSC2-related conditions. ClinVar contains an entry for this variant (Variation ID: 1720168). Invitae Evidence Modeling of protein sequence and biophysical properties (such as structural, functional, and spatial information, amino acid conservation, physicochemical variation, residue mobility, and thermodynamic stability) indicates that this missense variant is not expected to disrupt TSC2 protein function with a negative predictive value of 95%. In summary, the available evidence is currently insufficient to determine the role of this variant in disease. Therefore, it has been classified as a Variant of Uncertain Significance.

NM_000548.5(TSC2):c.2987C>A (p.Thr996Asn)

Gene: TSC2 (TSC complex subunit 2; plus strand). Cytogenetic location: 16p13.3.
Variant type: single nucleotide variant.
Coding change: c.2987C>A on transcript NM_000548.5 (MANE Select); coding-DNA position 2987, C replaced by A.
Protein change: p.Thr996Asn; replaces threonine 996 with asparagine.
Molecular consequence: missense variant.
Genome position (GRCh38, 1-based): chr16:2,079,052, C>A. VCF-style: chr16-2079052-C-A. GRCh37 (hg19) VCF-style: chr16-2129053-C-A.
Other names: c.2858C>A, p.Thr953Asn (NM_001363528.2, NM_001370405.1, NM_021055.3); c.2855C>A, p.Thr952Asn (NM_001370404.1, NM_001406665.1, NM_001077183.3); c.2984C>A, p.Thr995Asn (NM_001406663.1, NM_001406664.1); c.2948C>A, p.Thr983Asn (NM_001406667.1); c.2945C>A, p.Thr982Asn (NM_001406668.1); c.2876C>A, p.Thr959Asn (NM_001406670.1); c.2387C>A, p.Thr796Asn (NM_001406683.1, NM_001406680.1, NM_001406682.1); c.2384C>A, p.Thr795Asn (NM_001406684.1); and 18 more; short protein forms T418N, T504N, T505N, T548N, T752N, T753N, T795N, T796N.
Identifiers: ClinVar variation 1720168 (VCV001720168.5), dbSNP rs1596382185, ClinGen allele CA394283641.